The following is an entry in ClinVar:

ClinVar aggregate classification (germline): Uncertain significance (1 of 4 stars; one submission).

Conditions:
Charcot-Marie-Tooth Disease, axonal, type 2GG (CMT2GG). Also called: Charcot-Marie-Tooth neuropathy, type 2GG; Charcot-Marie-Tooth neuropathy, axonal, type 2GG; Charcot-Marie-Tooth disease dominant intermediate II. Identifiers: Orphanet 100043, MedGen C5561933, MONDO:0011675, OMIM 606483.

gnomAD v4.1: 4 of 1,538,032 alleles (0.00026%); highest among the groups gnomAD compares: South Asian, 0.0045%; no homozygotes.

Submission:

Neuberg Centre For Genomic Medicine, NCGM
Classification: Uncertain significance for Charcot-Marie-Tooth Disease, axonal, type 2GG. Last evaluated: 2023-06-22. Review status: criteria provided, single submitter. Criteria: ACMG Guidelines, 2015. Collection method: clinical testing. Allele origin: germline. Inheritance: Autosomal dominant inheritance. Affected: yes.
Comment: The missense variant c.520A>G (p.Ser174Gly) in the GBF1 gene has not been reported previously as a pathogenic variant nor as a benign variant, to our knowledge. This variant is reported with the allele frequency (0.0003%) in the gnomAD Exomes. The amino acid Ser at position 174 is changed to a Gly changing protein sequence and it might alter its composition and physico-chemical properties. Multiple lines of computational evidence (Polyphen - Possibly Damaging, SIFT - Damaging and MutationTaster - Disease causing) predict a damaging effect on protein structure and function for this variant. The amino acid change p.Ser174Gly in GBF1 is predicted as conserved by GERP++ and PhyloP across 100 vertebrates. For these reasons, this variant has been classified as Uncertain Significance.

NM_001377137.1(GBF1):c.520A>G (p.Ser174Gly)

Gene: GBF1 (golgi brefeldin A resistant guanine nucleotide exchange factor 1; plus strand). Cytogenetic location: 10q24.32.
Variant type: single nucleotide variant.
Coding change: c.520A>G on transcript NM_001377137.1 (MANE Select); coding-DNA position 520, A replaced by G.
Protein change: p.Ser174Gly; replaces serine 174 with glycine.
Molecular consequence: missense variant. On other transcripts: non-coding transcript variant (5).
Genome position (GRCh38, 1-based): chr10:102,351,948, A>G. VCF-style: chr10-102351948-A-G. GRCh37 (hg19) VCF-style: chr10-104111705-A-G.
Other names: c.520A>G, p.Ser174Gly (NM_001199378.2, NM_001199379.2, NM_001377138.1 and 16 more transcripts); short protein forms S174G.
Identifiers: ClinVar variation 3731409 (VCV003731409.1).